The following is an entry in ClinVar:

ClinVar aggregate classification (germline): Pathogenic (1 of 4 stars; one submission).

Conditions:
Neurofibromatosis, type 1 (NF1). Also called: VON RECKLINGHAUSEN DISEASE; Neurofibromatosis, type I; Peripheral type neurofibromatosis; NEUROFIBROMATOSIS, TYPE I, SOMATIC. Identifiers: Orphanet 636, MedGen C0027831, MONDO:0018975, OMIM 162200. Disease mechanism: loss of function.

Submission:

Labcorp Genetics (formerly Invitae), Labcorp
Classification: Pathogenic for Neurofibromatosis, type 1. Last evaluated: 2023-03-22. Review status: criteria provided, single submitter. Criteria: Invitae Variant Classification Sherloc (09022015). Collection method: clinical testing. Allele origin: unknown.
Comment: For these reasons, this variant has been classified as Pathogenic. This variant disrupts a region of the NF1 protein in which other variant(s) (p.Leu439Pro) have been determined to be pathogenic (PMID: 29618358, 31776437). This suggests that this is a clinically significant region of the protein, and that variants that disrupt it are likely to be disease-causing. This variant has not been reported in the literature in individuals affected with NF1-related conditions. This variant is a gross deletion of the genomic region encompassing exon(s) 12 of the NF1 gene. This variant would be expected to be in-frame, preserving the integrity of the reading frame.

Literature cited by the submitters: PubMed 29618358; PubMed 31776437.

NC_000017.10:g.(?_29533238)_(29533409_?)del

Gene: NF1 (neurofibromin 1; plus strand). Cytogenetic location: 17q11.2.
Variant type: Deletion.
Identifiers: ClinVar variation 3242845 (VCV003242845.1).